The following is an entry in ClinVar:

NM_000057.4(BLM):c.404C>G (p.Ala135Gly)

Gene: BLM (BLM RecQ like helicase; plus strand). Cytogenetic location: 15q26.1.
Variant type: single nucleotide variant.
Coding change: c.404C>G on transcript NM_000057.4 (MANE Select); coding-DNA position 404, C replaced by G.
Protein change: p.Ala135Gly; replaces alanine 135 with glycine.
Molecular consequence: missense variant. On other transcripts: 5 prime UTR variant (1).
Genome position (GRCh38, 1-based): chr15:90,749,672, C>G. VCF-style: chr15-90749672-C-G. GRCh37 (hg19) VCF-style: chr15-91292902-C-G.
Other names: c.404C>G, p.Ala135Gly (NM_001287246.2, NM_001287247.2); c.-888C>G (NM_001287248.2); short protein forms A135G.
Identifiers: ClinVar variation 1737348 (VCV001737348.2), dbSNP rs2505392126, ClinGen allele CA393840473.

ClinVar aggregate classification (germline): Uncertain significance (1 of 4 stars; one submission).

Conditions:
Hereditary cancer-predisposing syndrome. Also called: Neoplastic Syndromes, Hereditary; Tumor predisposition; Hereditary Cancer Syndrome; Hereditary neoplastic syndrome. Identifiers: Orphanet 140162, MedGen C0027672, MeSH D009386, MONDO:0015356.

Allele frequency attached by ClinVar (database versions not stated): gnomAD exomes below 0.00001.
gnomAD v4.1: 1 of 1,614,142 alleles (0.000062%); highest among the groups gnomAD compares: Middle Eastern, 0.016%; no homozygotes.

Submission:

Ambry Genetics
Classification: Uncertain significance for Hereditary cancer-predisposing syndrome. Last evaluated: 2022-10-27. Review status: criteria provided, single submitter. Criteria: Ambry Variant Classification Scheme 2023. Collection method: clinical testing. Allele origin: germline.
Comment: The p.A135G variant (also known as c.404C>G), located in coding exon 2 of the BLM gene, results from a C to G substitution at nucleotide position 404. The alanine at codon 135 is replaced by glycine, an amino acid with similar properties. This amino acid position is conserved. In addition, this alteration is predicted to be tolerated by in silico analysis. Since supporting evidence is limited at this time, the clinical significance of this alteration remains unclear.